The following is an entry in ClinVar:

NM_020911.2(PLXNA4):c.1658C>T (p.Ser553Leu)

Gene: PLXNA4 (plexin A4; minus strand). Cytogenetic location: 7q32.3.
Variant type: single nucleotide variant.
Coding change: c.1658C>T on transcript NM_020911.2 (MANE Select); coding-DNA position 1658, C replaced by T.
Protein change: p.Ser553Leu; replaces serine 553 with leucine.
Molecular consequence: missense variant.
Genome position (GRCh38, 1-based): chr7:132,228,416, G>A on the plus strand (C>T on the coding strand, the complement: PLXNA4 is on the minus strand). VCF-style: chr7-132228416-G-A. GRCh37 (hg19) VCF-style: chr7-131913175-G-A.
Other names: c.1658C>T, p.Ser553Leu (NM_001393897.1); short protein forms S553L.
Identifiers: ClinVar variation 4978285 (VCV004978285.1).

ClinVar aggregate classification (germline): Uncertain significance (1 of 4 stars; one submission).

Conditions:
PLXNA4-related disorder. Also called: PLXNA4-related condition.

gnomAD v4.1: 47 of 1,614,106 alleles (0.0029%); highest among the groups gnomAD compares: Middle Eastern, 0.016%; no homozygotes.

Submission:

PreventionGenetics, part of Exact Sciences
Classification: Uncertain significance for PLXNA4-related condition. Last evaluated: 2026-05-22. Review status: criteria provided, single submitter. Criteria: ACMG Guidelines, 2015. Collection method: clinical testing. Allele origin: germline.
Comment: The PLXNA4 c.1658C>T variant is predicted to result in the amino acid substitution p.Ser553Leu. To our knowledge, this variant has not been reported in the literature. This variant is reported in 0.0029% of alleles in individuals of Latino descent in gnomAD. At this time, the clinical significance of this variant is uncertain due to the absence of conclusive functional and genetic evidence.